The following is an entry in ClinVar:

ClinVar aggregate classification (germline): Uncertain significance. Review status: criteria provided, multiple submitters, no conflicts (2 of 4 stars). 2 submissions from 2 submitters: Uncertain significance (2). Last evaluated 2025-11-11.

Conditions:
Hereditary cancer-predisposing syndrome. Also called: Hereditary neoplastic syndrome; Tumor predisposition; Neoplastic Syndromes, Hereditary; Hereditary Cancer Syndrome. Identifiers: Orphanet 140162, MedGen C0027672, MeSH D009386, MONDO:0015356.

Submissions (2):

Labcorp Genetics (formerly Invitae), Labcorp
Classification: Uncertain significance. Last evaluated: 2025-11-11. Review status: criteria provided, single submitter. Criteria: Invitae Variant Classification Sherloc (09022015). Collection method: clinical testing. Allele origin: germline.
Comment: This sequence change replaces histidine, which is basic and polar, with leucine, which is neutral and non-polar, at codon 176 of the MSH3 protein (p.His176Leu). This variant is not present in population databases (gnomAD no frequency). This variant has not been reported in the literature in individuals affected with MSH3-related conditions. ClinVar contains an entry for this variant (Variation ID: 954458). An algorithm developed to predict the effect of missense changes on protein structure and function (PolyPhen-2) suggests that this variant is likely to be tolerated. In summary, the available evidence is currently insufficient to determine the role of this variant in disease. Therefore, it has been classified as a Variant of Uncertain Significance.

Ambry Genetics
Classification: Uncertain significance for Hereditary cancer-predisposing syndrome. Last evaluated: 2025-02-07. Review status: criteria provided, single submitter. Criteria: Ambry Variant Classification Scheme 2023. Collection method: clinical testing. Allele origin: germline.
Comment: The p.H176L variant (also known as c.527A>T), located in coding exon 3 of the MSH3 gene, results from an A to T substitution at nucleotide position 527. The histidine at codon 176 is replaced by leucine, an amino acid with similar properties. This amino acid position is poorly conserved in available vertebrate species. In addition, this alteration is predicted to be tolerated by in silico analysis. Based on the available evidence, the clinical significance of this variant remains unclear.

NM_002439.5(MSH3):c.527A>T (p.His176Leu)

Gene: MSH3 (mutS homolog 3; plus strand). Cytogenetic location: 5q14.1.
Variant type: single nucleotide variant.
Coding change: c.527A>T on transcript NM_002439.5 (MANE Select); coding-DNA position 527, A replaced by T.
Protein change: p.His176Leu; replaces histidine 176 with leucine.
Molecular consequence: missense variant.
Genome position (GRCh38, 1-based): chr5:80,665,311, A>T. VCF-style: chr5-80665311-A-T. GRCh37 (hg19) VCF-style: chr5-79961130-A-T.
Other names: short protein forms H176L.
Identifiers: ClinVar variation 954458 (VCV000954458.13), dbSNP rs1749545371, ClinGen allele CA360264230.
Genomic context (GRCh38, chr5:80,665,311, plus strand): 5'-TGCAGGAGAGATTTGCAGTTCTGCCAAAATGTACTGATTTTGATGATATCAGTCTTCTAC[A>T]CGCAAAGAATGCAGTTTCTTCTGAAGATTCGAAACGTCAAATTAATCAAAAGGTATGTAA-3'
Protein context (NP_002430.3, residues 166-186): CTDFDDISLL[His176Leu]AKNAVSSEDS